The following is an entry in ClinVar:

ClinVar aggregate classification (germline): Likely pathogenic. Review status: criteria provided, multiple submitters, no conflicts (2 of 4 stars). 3 submissions from 3 submitters: Likely pathogenic (3). Last evaluated 2026-01-05.

Conditions:
ALG8-related disorder.
ALG8 congenital disorder of glycosylation. Also called: CONGENITAL DISORDER OF GLYCOSYLATION, TYPE Ih; CDG Ih; ALG8-CDG. Identifiers: Orphanet 79325, MedGen C2931002, MONDO:0011969, OMIM 608104.

Allele frequency attached by ClinVar (database versions not stated): gnomAD exomes below 0.00001.

Submissions (3):

Dasa
Classification: Likely pathogenic. Last evaluated: 2026-01-05. Review status: criteria provided, single submitter. Criteria: DASA Assertion Criteria. Collection method: clinical testing. Allele origin: germline.
Comment: NM_024079.5(ALG8):c.777+1G>A affects a canonical splice site and is predicted to disrupt normal RNA splicing. Loss of function is an established disease mechanism for ALG8-associated disorders. Also, this variant is rare in population databases. Based on the currently available evidence, this variant is classified as likely pathogenic.

Labcorp Genetics (formerly Invitae), Labcorp
Classification: Likely pathogenic for ALG8 congenital disorder of glycosylation. Last evaluated: 2024-04-20. Review status: criteria provided, single submitter. Criteria: Invitae Variant Classification Sherloc (09022015). Collection method: clinical testing. Allele origin: germline.
Comment: This sequence change affects a donor splice site in intron 7 of the ALG8 gene. It is expected to disrupt RNA splicing. Variants that disrupt the donor or acceptor splice site typically lead to a loss of protein function (PMID: 16199547), and loss-of-function variants in ALG8 are known to be pathogenic (PMID: 19862844). The frequency data for this variant in the population databases is considered unreliable, as metrics indicate poor data quality at this position in the gnomAD database. This variant has not been reported in the literature in individuals affected with ALG8-related conditions. ClinVar contains an entry for this variant (Variation ID: 2628603). Algorithms developed to predict the effect of sequence changes on RNA splicing suggest that this variant may disrupt the consensus splice site. In summary, the currently available evidence indicates that the variant is pathogenic, but additional data are needed to prove that conclusively. Therefore, this variant has been classified as Likely Pathogenic.

PreventionGenetics, part of Exact Sciences
Classification: Likely pathogenic for ALG8-related condition. Last evaluated: 2022-08-29. Review status: criteria provided, single submitter. Criteria: ACMG Guidelines, 2015. Collection method: clinical testing. Allele origin: germline.
Comment: The ALG8 c.777+1G>A variant is predicted to disrupt the GT donor site and interfere with normal splicing. To our knowledge, this variant has not been reported in the literature. This variant is reported in 0.015% of alleles in individuals of African descent in gnomAD. Variants that disrupt the consensus splice donor site in ALG8 are expected to be pathogenic. This variant is interpreted as likely pathogenic.

Literature cited by the submitters: PubMed 16199547 (cited by Labcorp Genetics (formerly Invitae), Labcorp); PubMed 19862844 (cited by Labcorp Genetics (formerly Invitae), Labcorp).

NM_024079.5(ALG8):c.777+1G>A

Gene: ALG8 (ALG8 alpha-1,3-glucosyltransferase; minus strand). Cytogenetic location: 11q14.1.
Variant type: single nucleotide variant.
Coding change: c.777+1G>A on transcript NM_024079.5 (MANE Select); the canonical splice donor site of the intron after coding-DNA position 777, G replaced by A.
Molecular consequence: splice donor variant.
Genome position (GRCh38, 1-based): chr11:78,113,885, C>T on the plus strand (G>A on the coding strand, the complement: ALG8 is on the minus strand). VCF-style: chr11-78113885-C-T. GRCh37 (hg19) VCF-style: chr11-77824931-C-T.
Other names: c.777+1G>A (NM_001007027.3).
Identifiers: ClinVar variation 2628603 (VCV002628603.5), dbSNP rs1288977289, ClinGen allele CA382116820.